The following is an entry in ClinVar:

ClinVar aggregate classification (germline): Pathogenic. Review status: criteria provided, single submitter (1 of 4 stars). 2 submissions from 2 submitters: Pathogenic (1). 1 of the submissions does not count toward it. Last evaluated 2020-11-18.

Conditions:
COL4A4-related disorder.

Submissions (2):

Labcorp Genetics (formerly Invitae), Labcorp
Classification: Pathogenic. Last evaluated: 2020-11-18. Review status: criteria provided, single submitter. Criteria: Invitae Variant Classification Sherloc (09022015). Collection method: clinical testing. Allele origin: germline.
Comment: For these reasons, this variant has been classified as Pathogenic. Loss-of-function variants in COL4A4 are known to be pathogenic (PMID: 21196518, 24854265, 25307543). Algorithms developed to predict the effect of sequence changes on RNA splicing suggest that this variant may create or strengthen a splice site, but this prediction has not been confirmed by published transcriptional studies. This variant has been observed in individual(s) with clinical features of focal segmental glomerulosclerosis and chronic kidney disease (PMID: 30002862). This variant is not present in population databases (ExAC no frequency). This sequence change creates a premature translational stop signal (p.Gly948*) in the COL4A4 gene. It is expected to result in an absent or disrupted protein product.

PreventionGenetics, part of Exact Sciences
Classification: Likely pathogenic for COL4A4-related condition. Last evaluated: 2024-02-05. Review status: no assertion criteria provided. Collection method: clinical testing. Allele origin: germline. Not counted in ClinVar's aggregate classification.
Comment: The COL4A4 c.2842G>T variant is predicted to result in premature protein termination (p.Gly948*). This variant was reported in the heterozygous state without a second potentially causative variant in an individual with focal and secondary glomerulosclerosis (Hines et al. 2018. PubMed ID: 30002862. This variant has not been reported in a large population database, indicating this variant is rare. Nonsense variants in COL4A4 are expected to be pathogenic. This variant is interpreted as likely pathogenic.

Literature cited by the submitters: PubMed 21196518 (cited by Labcorp Genetics (formerly Invitae), Labcorp); PubMed 24854265 (cited by Labcorp Genetics (formerly Invitae), Labcorp); PubMed 25307543 (cited by Labcorp Genetics (formerly Invitae), Labcorp); PubMed 30002862 (cited by Labcorp Genetics (formerly Invitae), Labcorp).

NM_000092.5(COL4A4):c.2842G>T (p.Gly948Ter)

Gene: COL4A4 (collagen type IV alpha 4 chain; minus strand). Cytogenetic location: 2q36.3.
Variant type: single nucleotide variant.
Coding change: c.2842G>T on transcript NM_000092.5 (MANE Select); coding-DNA position 2842, G replaced by T.
Protein change: p.Gly948Ter; replaces glycine 948 with a stop codon.
Molecular consequence: nonsense.
Genome position (GRCh38, 1-based): chr2:227,054,612, C>A on the plus strand (G>T on the coding strand, the complement: COL4A4 is on the minus strand). VCF-style: chr2-227054612-C-A. GRCh37 (hg19) VCF-style: chr2-227919328-C-A.
Other names: c.2842G>T (NM_000092.4); short protein forms G948*.
Identifiers: ClinVar variation 1073782 (VCV001073782.11), dbSNP rs2150219679, ClinGen allele CA350839977.
Genomic context (GRCh38, chr2:227,054,612, plus strand): 5'-TACCAGAAACAAATGCATGTTGCATGGCTGTATTTTATTTACCTTTGGCCCCTCTCAGTC[C>A]CCGGTCTCCAGGAAGGCCAGACATGCCCTTCTCTCCAGGTTCTCCCTTTGCGCCAGGACA-3'